The following is an entry in ClinVar:

NM_001365536.1(SCN9A):c.4160T>C (p.Val1387Ala)

Genes: SCN9A (sodium voltage-gated channel alpha subunit 9; minus strand), SCN1A-AS1 (SCN1A and SCN9A antisense RNA 1; plus strand). Cytogenetic location: 2q24.3.
Variant type: single nucleotide variant.
Coding change: c.4160T>C on transcript NM_001365536.1 (MANE Select); coding-DNA position 4160, T replaced by C.
Protein change: p.Val1387Ala; replaces valine 1387 with alanine.
Molecular consequence: missense variant.
Genome position (GRCh38, 1-based): chr2:166,228,737, A>G on the plus strand (T>C on the coding strand, the complement: SCN9A is on the minus strand). VCF-style: chr2-166228737-A-G. GRCh37 (hg19) VCF-style: chr2-167085247-A-G.
Other names: c.4127T>C, p.Val1376Ala (NM_002977.4); short protein forms V1387A, V1376A.
Identifiers: ClinVar variation 2941331 (VCV002941331.3), dbSNP rs1694953889, ClinGen allele CA349063375.

ClinVar aggregate classification (germline): Uncertain significance (1 of 4 stars; one submission).

Conditions:
Neuropathy, hereditary sensory and autonomic, type 2A (HSAN2A). Also called: ACROOSTEOLYSIS, GIACCAI TYPE; ACROOSTEOLYSIS, NEUROGENIC; MORVAN DISEASE; NEUROPATHY, CONGENITAL SENSORY; NEUROPATHY, HEREDITARY SENSORY RADICULAR, AUTOSOMAL RECESSIVE; NEUROPATHY, HEREDITARY SENSORY, TYPE IIA. Identifiers: Orphanet 970, MedGen C2752089, MONDO:0024309, OMIM 201300.
Generalized epilepsy with febrile seizures plus, type 7 (GEFSP7). Also called: GEFS+, TYPE 7. Identifiers: Orphanet 36387, MedGen C2751778, MONDO:0013470, OMIM 613863.

Submission:

Labcorp Genetics (formerly Invitae), Labcorp
Classification: Uncertain significance for Neuropathy, hereditary sensory and autonomic, type 2A; Generalized epilepsy with febrile seizures plus, type 7. Last evaluated: 2022-11-06. Review status: criteria provided, single submitter. Criteria: Invitae Variant Classification Sherloc (09022015). Collection method: clinical testing. Allele origin: germline.
Comment: Advanced modeling of protein sequence and biophysical properties (such as structural, functional, and spatial information, amino acid conservation, physicochemical variation, residue mobility, and thermodynamic stability) performed at Invitae indicates that this missense variant is not expected to disrupt SCN9A protein function. In summary, the available evidence is currently insufficient to determine the role of this variant in disease. Therefore, it has been classified as a Variant of Uncertain Significance. This variant has not been reported in the literature in individuals affected with SCN9A-related conditions. This variant is not present in population databases (gnomAD no frequency). This sequence change replaces valine, which is neutral and non-polar, with alanine, which is neutral and non-polar, at codon 1376 of the SCN9A protein (p.Val1376Ala).